The following is an entry in ClinVar:

NM_000059.4(BRCA2):c.4966del (p.Thr1656fs)

Gene: BRCA2 (BRCA2 DNA repair associated; plus strand). Cytogenetic location: 13q13.1.
Variant type: Deletion.
Coding change: c.4966del on transcript NM_000059.4 (MANE Select); coding-DNA position 4966, one base deleted (A; older notation c.4966delA).
Protein change: p.Thr1656fs; shifts the reading frame from threonine 1656.
Molecular consequence: frameshift variant. On other transcripts: non-coding transcript variant (1), intron variant (2).
Genome position (GRCh38, 1-based): chr13:32,339,321, A deleted. VCF-style (leftmost placement, unchanged base first): chr13-32339320-CA-C. GRCh37 (hg19) VCF-style: chr13-32913457-CA-C.
Other names: c.4966del, p.Thr1656fs (NM_001406719.1, NM_001406720.1, NM_001432077.1); c.1910-5237del (NM_001406721.1); c.425-5237del (NM_001406722.1); short protein forms T1656fs.
Identifiers: ClinVar variation 3893673 (VCV003893673.1).
Genomic context (GRCh38, chr13:32,339,320, plus strand): 5'-GAAAGTTAAAGTACATGAAAATGTAGAAAAAGAAACAGCAAAAAGTCCTGCAACTTGTTA[CA>C]CAAATCAGTCCCCTTATTCAGTCATTGAAAATTCAGCCTTAGCTTTTTACACAAGTTGTA-3'

ClinVar aggregate classification (germline): Pathogenic (1 of 4 stars; one submission).

Conditions:
Hereditary cancer-predisposing syndrome. Also called: Neoplastic Syndromes, Hereditary; Tumor predisposition; Hereditary Cancer Syndrome; Hereditary neoplastic syndrome. Identifiers: Orphanet 140162, MedGen C0027672, MeSH D009386, MONDO:0015356.

Submission:

Molecular Diagnostics Laboratory, Catalan Institute of Oncology
Classification: Pathogenic for Hereditary cancer-predisposing syndrome. Last evaluated: 2024-11-05. Review status: criteria provided, single submitter. Criteria: ClinGen BRCA1BRCA2 ACMG Specifications BRCA2 V1.0.0. Collection method: clinical testing. Allele origin: germline.
Comment: PVS1, PM5_PTC_Strong c.4966del, located in exon 11 of the BRCA2 gene, consists in the deletion of 1 nucleotide, causing a translational frameshift with a predicted alternate stop codon, p.(Thr1656Glnfs*14). This alteration is expected to result in loss of function by premature protein truncation and nonsense-mediated mRNA decay (PVS1 and PM5_PTC_S). It is not present in the population database gnomAD v2.1.1, non-cancer dataset. To our knowledge, neither relevant clinical data nor well-established functional studies have been reported for this variant. This variant has not been reported in the ClinVar database, LOVD or BRCA Exhange database. Based on currently available information, the variant c.4966del should be considered a pathogenic variant.